The following is an entry in ClinVar:

ClinVar aggregate classification (germline): Conflicting classifications of pathogenicity. Review status: criteria provided, conflicting classifications (1 of 4 stars). 2 submissions from 2 submitters: Likely pathogenic (1); Uncertain significance (1). Last evaluated 2025-11-18.

Conditions:
RET-related disorder. Also called: RET-related condition; RET-related disease; RET-related disorders.
Multiple endocrine neoplasia, type 2 (MEN2). Identifiers: Orphanet 653, MedGen C4048306, MONDO:0019003. Disease mechanism: gain of function.

Submissions (2):

Labcorp Genetics (formerly Invitae), Labcorp
Classification: Uncertain significance for Multiple endocrine neoplasia, type 2. Last evaluated: 2025-11-18. Review status: criteria provided, single submitter. Criteria: Invitae Variant Classification Sherloc (09022015). Collection method: clinical testing. Allele origin: germline.
Comment: This sequence change replaces glutamic acid, which is acidic and polar, with lysine, which is basic and polar, at codon 734 of the RET protein (p.Glu734Lys). This variant is not present in population databases (gnomAD no frequency). This missense change has been observed in individual(s) with total colonic agaglionosis (PMID: 10946353). ClinVar contains an entry for this variant (Variation ID: 948371). An algorithm developed to predict the effect of missense changes on protein structure and function (PolyPhen-2) suggests that this variant is likely to be disruptive. Experimental studies have shown that this missense change affects RET function (PMID: 22837065). In summary, the available evidence is currently insufficient to determine the role of this variant in disease. Therefore, it has been classified as a Variant of Uncertain Significance.

Blueprint Genetics
Classification: Likely pathogenic for RET-related disorders. Last evaluated: 2021-03-03. Review status: criteria provided, single submitter. Criteria: ACMG Guidelines, 2015. Collection method: clinical testing. Allele origin: germline. Affected: yes. Observed: 1 variant allele.

Literature cited by the submitters: PubMed 10946353 (cited by Labcorp Genetics (formerly Invitae), Labcorp); PubMed 22837065 (cited by Labcorp Genetics (formerly Invitae), Labcorp).

NM_020975.6(RET):c.2200G>A (p.Glu734Lys)

Gene: RET (ret proto-oncogene; plus strand). Cytogenetic location: 10q11.21.
Variant type: single nucleotide variant.
Coding change: c.2200G>A on transcript NM_020975.6 (MANE Select); coding-DNA position 2200, G replaced by A.
Protein change: p.Glu734Lys; replaces glutamic acid 734 with lysine.
Molecular consequence: missense variant.
Genome position (GRCh38, 1-based): chr10:43,116,647, G>A. VCF-style: chr10-43116647-G-A. GRCh37 (hg19) VCF-style: chr10-43612095-G-A.
Other names: c.2200G>A, p.Glu734Lys (NM_000323.2, NM_001406743.1, NM_001406744.1 and 4 more transcripts); c.1438G>A, p.Glu480Lys (NM_001355216.2); c.2071G>A, p.Glu691Lys (NM_001406761.1, NM_001406762.1, NM_001406764.1); c.2065G>A, p.Glu689Lys (NM_001406763.1, NM_001406765.1); c.1912G>A, p.Glu638Lys (NM_001406766.1, NM_001406767.1, NM_001406770.1); c.1936G>A, p.Glu646Lys (NM_001406768.1); c.1804G>A, p.Glu602Lys (NM_001406769.1, NM_001406772.1); c.1762G>A, p.Glu588Lys (NM_001406771.1, NM_001406773.1); and 10 more; short protein forms E734K, E480K, E251K, E390K, E395K, E602K, E646K, E691K.
Identifiers: ClinVar variation 948371 (VCV000948371.11), dbSNP rs1838077120, ClinGen allele CA376554456.
Genomic context (GRCh38, chr10:43,116,647, plus strand): 5'-GATCCAAAGTGGGAATTCCCTCGGAAGAACTTGGTTCTTGGAAAAACTCTAGGAGAAGGC[G>A]AATTTGGAAAAGTGGTCAAGGCAACGGCCTTCCATCTGAAAGGCAGAGCAGGGTACACCA-3'
Protein context (NP_066124.1, residues 724-744): LVLGKTLGEG[Glu734Lys]FGKVVKATAF